The following is an entry in ClinVar:

NM_007214.5(SEC63):c.59C>T (p.Thr20Ile)

Gene: SEC63 (SEC63 protein translocation regulator; minus strand). Cytogenetic location: 6q21.
Variant type: single nucleotide variant.
Coding change: c.59C>T on transcript NM_007214.5 (MANE Select); coding-DNA position 59, C replaced by T.
Protein change: p.Thr20Ile; replaces threonine 20 with isoleucine.
Molecular consequence: missense variant.
Genome position (GRCh38, 1-based): chr6:107,957,951, G>A on the plus strand (C>T on the coding strand, the complement: SEC63 is on the minus strand). VCF-style: chr6-107957951-G-A. GRCh37 (hg19) VCF-style: chr6-108279155-G-A.
Other names: short protein forms T20I.
Identifiers: ClinVar variation 3628076 (VCV003628076.2).
Genomic context (GRCh38, chr6:107,957,951, plus strand): 5'-TTCTGATCTCGGGGCCAGAGGTAGTATGTCGCCGGGATCACGATGAGCCCCACGAAGGAG[G>A]TGAGGAAGTAGAAGAAGGTGTTCCCACTGTCATCGTACTGGAACTGCTGCCCGGCCATGG-3'
Protein context (NP_009145.1, residues 10-30): DSGNTFFYFL[Thr20Ile]SFVGLIVIPA

ClinVar aggregate classification (germline): Uncertain significance (1 of 4 stars; one submission).

gnomAD v4.1: 12 of 1,613,400 alleles (0.00074%); highest among the groups gnomAD compares: East Asian, 0.0022%; no homozygotes.

Submission:

Labcorp Genetics (formerly Invitae), Labcorp
Classification: Uncertain significance. Last evaluated: 2024-03-25. Review status: criteria provided, single submitter. Criteria: Invitae Variant Classification Sherloc (09022015). Collection method: clinical testing. Allele origin: germline.
Comment: This sequence change replaces threonine, which is neutral and polar, with isoleucine, which is neutral and non-polar, at codon 20 of the SEC63 protein (p.Thr20Ile). This variant is present in population databases (rs372494545, gnomAD 0.0009%). This variant has not been reported in the literature in individuals affected with SEC63-related conditions. An algorithm developed to predict the effect of missense changes on protein structure and function (PolyPhen-2) suggests that this variant is likely to be tolerated. In summary, the available evidence is currently insufficient to determine the role of this variant in disease. Therefore, it has been classified as a Variant of Uncertain Significance.